The following is an entry in ClinVar:

NM_000478.6(ALPL):c.1360C>T (p.His454Tyr)

Gene: ALPL (alkaline phosphatase, biomineralization associated; plus strand). Cytogenetic location: 1p36.12.
Variant type: single nucleotide variant.
Coding change: c.1360C>T on transcript NM_000478.6 (MANE Select); coding-DNA position 1360, C replaced by T.
Protein change: p.His454Tyr; replaces histidine 454 with tyrosine.
Molecular consequence: missense variant.
Genome position (GRCh38, 1-based): chr1:21,577,433, C>T. VCF-style: chr1-21577433-C-T. GRCh37 (hg19) VCF-style: chr1-21903926-C-T.
Other names: c.1195C>T, p.His399Tyr (NM_001127501.4); c.1129C>T, p.His377Tyr (NM_001177520.3); c.1360C>T, p.His454Tyr (NM_001369803.2, NM_001369804.2, NM_001369805.2); c.1360C>T (NM_000478.4); short protein forms H377Y, H399Y, H454Y.
Identifiers: ClinVar variation 1334593 (VCV001334593.10), dbSNP rs2148194615, ClinGen allele CA338882034.

ClinVar aggregate classification (germline): Conflicting classifications of pathogenicity. Review status: criteria provided, conflicting classifications (1 of 4 stars). 3 submissions from 3 submitters: Likely pathogenic (2); Uncertain significance (1). Last evaluated 2026-10-22.

Submissions (3):

GeneDx
Classification: Uncertain significance. Last evaluated: 2026-10-22. Review status: criteria provided, single submitter. Criteria: GeneDx Variant Classification Process June 2021. Collection method: clinical testing. Allele origin: germline.
Comment: Not observed at significant frequency in large population cohorts (gnomAD); In silico analysis supports that this missense variant has a deleterious effect on protein structure/function; Has not been previously published as pathogenic or benign to our knowledge; This variant is associated with the following publications: (PMID: 32160374)

Labcorp Genetics (formerly Invitae), Labcorp
Classification: Likely pathogenic. Last evaluated: 2025-10-09. Review status: criteria provided, single submitter. Criteria: Invitae Variant Classification Sherloc (09022015). Collection method: clinical testing. Allele origin: germline.
Comment: This sequence change replaces histidine, which is basic and polar, with tyrosine, which is neutral and polar, at codon 454 of the ALPL protein (p.His454Tyr). This variant is not present in population databases (gnomAD no frequency). This missense change has been observed in individual(s) with hypophosphatasia (internal data). ClinVar contains an entry for this variant (Variation ID: 1334593). Invitae Evidence Modeling of protein sequence and biophysical properties (such as structural, functional, and spatial information, amino acid conservation, physicochemical variation, residue mobility, and thermodynamic stability) indicates that this missense variant is expected to disrupt ALPL protein function with a positive predictive value of 95%. This variant disrupts the p.His454 amino acid residue in ALPL. Other variant(s) that disrupt this residue have been observed in individuals with ALPL-related conditions (PMID: 32160374), which suggests that this may be a clinically significant amino acid residue. In summary, the currently available evidence indicates that the variant is pathogenic, but additional data are needed to prove that conclusively. Therefore, this variant has been classified as Likely Pathogenic.

Greenwood Genetic Center Diagnostic Laboratories, Greenwood Genetic Center
Classification: Likely pathogenic. Last evaluated: 2021-09-16. Review status: criteria provided, single submitter. Criteria: ACMG Guidelines, 2015. Collection method: clinical testing. Allele origin: germline. Affected: yes.
Comment: PM1, PM2, PM5

Literature cited by the submitters: PubMed 32160374 (cited by Labcorp Genetics (formerly Invitae), Labcorp).